The following is an entry in ClinVar:

ClinVar aggregate classification (germline): Uncertain significance. Review status: criteria provided, multiple submitters, no conflicts (2 of 4 stars). 2 submissions from 2 submitters: Uncertain significance (2). Last evaluated 2023-12-29.

Conditions:
Charcot-Marie-Tooth disease type 2. Also called: Charcot-Marie-Tooth type 2. Identifiers: Orphanet 64746, MedGen C0270914, MONDO:0018993.

Allele frequency attached by ClinVar (database versions not stated): gnomAD exomes below 0.00001.
gnomAD v4.1: 1 of 1,614,094 alleles (0.000062%); highest among the groups gnomAD compares: South Asian, 0.0011%; no homozygotes.

Submissions (2):

Ambry Genetics
Classification: Uncertain significance. Last evaluated: 2023-12-29. Review status: criteria provided, single submitter. Criteria: Ambry Variant Classification Scheme 2023. Collection method: clinical testing. Allele origin: germline.
Comment: The p.T751I variant (also known as c.2252C>T), located in coding exon 22 of the KIF1B gene, results from a C to T substitution at nucleotide position 2252. The threonine at codon 751 is replaced by isoleucine, an amino acid with similar properties. This amino acid position is conserved. In addition, the in silico prediction for this alteration is inconclusive. Since supporting evidence is limited at this time, the clinical significance of this alteration remains unclear.

Labcorp Genetics (formerly Invitae), Labcorp
Classification: Uncertain significance for Charcot-Marie-Tooth disease type 2. Last evaluated: 2021-09-09. Review status: criteria provided, single submitter. Criteria: Invitae Variant Classification Sherloc (09022015). Collection method: clinical testing. Allele origin: germline.
Comment: In summary, the available evidence is currently insufficient to determine the role of this variant in disease. Therefore, it has been classified as a Variant of Uncertain Significance. This sequence change replaces threonine with isoleucine at codon 751 of the KIF1B protein (p.Thr751Ile). The threonine residue is highly conserved and there is a moderate physicochemical difference between threonine and isoleucine. This variant is not present in population databases (ExAC no frequency). This variant has not been reported in the literature in individuals affected with KIF1B-related conditions. Algorithms developed to predict the effect of missense changes on protein structure and function are either unavailable or do not agree on the potential impact of this missense change (SIFT: "Deleterious"; PolyPhen-2: "Probably Damaging"; Align-GVGD: "Class C0").

NM_001365951.3(KIF1B):c.2390C>T (p.Thr797Ile)

Gene: KIF1B (kinesin family member 1B; plus strand). Cytogenetic location: 1p36.22.
Variant type: single nucleotide variant.
Coding change: c.2390C>T on transcript NM_001365951.3 (MANE Select); coding-DNA position 2390, C replaced by T.
Protein change: p.Thr797Ile; replaces threonine 797 with isoleucine.
Molecular consequence: missense variant.
Genome position (GRCh38, 1-based): chr1:10,323,915, C>T. VCF-style: chr1-10323915-C-T. GRCh37 (hg19) VCF-style: chr1-10383973-C-T.
Other names: c.2390C>T, p.Thr797Ile (NM_001365952.1); c.2252C>T, p.Thr751Ile (NM_015074.3); short protein forms T797I, T751I.
Identifiers: ClinVar variation 1415436 (VCV001415436.7), dbSNP rs767564247, ClinGen allele CA17835865.
Genomic context (GRCh38, chr1:10,323,915, plus strand): 5'-TTTGTCAATGGTTTATTCTTTCTATTCAGGTGCAGTTTCAGTTTGTTCTGCTGACTGACA[C>T]ACTGTACTCCCCTTTGCCTCCTGAATTACTTCCCACTGAGATGGAAAAAACTCATGAGGA-3'
Protein context (NP_001352880.1, residues 787-807): VQFQFVLLTD[Thr797Ile]LYSPLPPELL